The following is an entry in ClinVar:

ClinVar aggregate classification (germline): Conflicting classifications of pathogenicity. Review status: criteria provided, conflicting classifications (1 of 4 stars). 3 submissions from 3 submitters: Uncertain significance (1); Likely benign (2). Last evaluated 2024-11-27.

Conditions:
Cardiovascular phenotype. Identifiers: MedGen CN230736.
Alstrom syndrome (ALMS). Identifiers: Orphanet 64, MedGen C0268425, MONDO:0008763, OMIM 203800.

Allele frequency attached by ClinVar (database versions not stated): gnomAD exomes below 0.00001.
gnomAD v4.1: 4 of 1,613,900 alleles (0.00025%); highest among the groups gnomAD compares: Non-Finnish European, 0.00034%; no homozygotes.

Submissions (3):

Ambry Genetics
Classification: Likely benign for Cardiovascular phenotype. Last evaluated: 2024-11-27. Review status: criteria provided, single submitter. Criteria: Ambry Variant Classification Scheme 2023. Collection method: clinical testing. Allele origin: germline.

Labcorp Genetics (formerly Invitae), Labcorp
Classification: Likely benign for Alstrom syndrome. Last evaluated: 2023-08-23. Review status: criteria provided, single submitter. Criteria: Invitae Variant Classification Sherloc (09022015). Collection method: clinical testing. Allele origin: germline.

Laboratory for Molecular Medicine, Mass General Brigham Personalized Medicine
Classification: Uncertain significance. Last evaluated: 2018-05-10. Review status: criteria provided, single submitter. Criteria: LMM Criteria. Collection method: clinical testing. Allele origin: germline. Observed: 1 variant allele.
Comment: The p.Leu2967Leu variant in ALMS1 has not been previously reported in individual s with Alstrom syndrome or hearing loss, and was absent from large population st udies. Computational tools suggest that this variant might cause a 3' cryptic s plice site. However, this information is not predictive enough to determine path ogenicity. In summary, the clinical significance of the p.Leu2967Leu variant is uncertain. ACMG/AMP Criteria applied: PM2, PP3.

NM_001378454.1(ALMS1):c.8898T>A (p.Leu2966=)

Gene: ALMS1 (ALMS1 centrosome and basal body associated protein; plus strand). Cytogenetic location: 2p13.1.
Variant type: single nucleotide variant.
Coding change: c.8898T>A on transcript NM_001378454.1 (MANE Select); coding-DNA position 8898, T replaced by A.
Protein change: p.Leu2966=; no amino-acid change (leucine 2966 retained).
Molecular consequence: synonymous variant.
Genome position (GRCh38, 1-based): chr2:73,490,857, T>A. VCF-style: chr2-73490857-T-A. GRCh37 (hg19) VCF-style: chr2-73717984-T-A.
Other names: c.8901T>A, p.Leu2967= (NM_015120.4).
Identifiers: ClinVar variation 666791 (VCV000666791.8), dbSNP rs1572970207, ClinGen allele CA427015375.